The following is an entry in ClinVar:

ClinVar aggregate classification (germline): Pathogenic (1 of 4 stars; one submission).

Conditions:
Familial hypobetalipoproteinemia 1. Also called: APOB-Related Familial Hypobetalipoproteinemia; Hypobetalipoproteinemia, normotriglyceridemic; Acanthocytosis with hypobetalipoproteinemia. Identifiers: MedGen C4551990, MONDO:0014252, OMIM 615558.
Hypercholesterolemia, autosomal dominant, type B (FHCL2). Also called: Familial Hypercholesterolemia Type B; APOLIPOPROTEIN B-100, FAMILIAL DEFECTIVE; APOLIPOPROTEIN B-100, FAMILIAL LIGAND-DEFECTIVE; HYPERCHOLESTEROLEMIA, FAMILIAL, DUE TO LIGAND-DEFECTIVE APOLIPOPROTEIN B; Familial hypercholesterolemia 2; Hyperlipoproteinemia Type IIb. Identifiers: MedGen C1704417, MONDO:0007751, OMIM 144010.

gnomAD v4.1: 2 of 1,614,100 alleles (0.00012%); highest among the groups gnomAD compares: Non-Finnish European, 0.00017%; no homozygotes.

Submission:

Labcorp Genetics (formerly Invitae), Labcorp
Classification: Pathogenic for Familial hypobetalipoproteinemia 1; Hypercholesterolemia, autosomal dominant, type B. Last evaluated: 2022-08-02. Review status: criteria provided, single submitter. Criteria: Invitae Variant Classification Sherloc (09022015). Collection method: clinical testing. Allele origin: germline.
Comment: For these reasons, this variant has been classified as Pathogenic. ClinVar contains an entry for this variant (Variation ID: 1458186). This variant has not been reported in the literature in individuals affected with APOB-related conditions. This variant is not present in population databases (gnomAD no frequency). This sequence change creates a premature translational stop signal (p.Glu420*) in the APOB gene. It is expected to result in an absent or disrupted protein product. Loss-of-function variants in APOB are known to be pathogenic (PMID: 20032471).

Literature cited by the submitters: PubMed 20032471.

NM_000384.3(APOB):c.1258G>T (p.Glu420Ter)

Gene: APOB (apolipoprotein B; minus strand). Cytogenetic location: 2p24.1.
Variant type: single nucleotide variant.
Coding change: c.1258G>T on transcript NM_000384.3 (MANE Select); coding-DNA position 1258, G replaced by T.
Protein change: p.Glu420Ter; replaces glutamic acid 420 with a stop codon.
Molecular consequence: nonsense.
Genome position (GRCh38, 1-based): chr2:21,032,448, C>A on the plus strand (G>T on the coding strand, the complement: APOB is on the minus strand). VCF-style: chr2-21032448-C-A. GRCh37 (hg19) VCF-style: chr2-21255320-C-A.
Other names: short protein forms E420*.
Identifiers: ClinVar variation 1458186 (VCV001458186.6), dbSNP rs192004342, ClinGen allele CA345957830.